The following is an entry in ClinVar:

ClinVar aggregate classification (germline): Uncertain significance (1 of 4 stars; one submission).

Conditions:
Inborn genetic diseases. Identifiers: MedGen C0950123, MeSH D030342.

Submission:

Ambry Genetics
Classification: Uncertain significance for Inborn genetic diseases. Last evaluated: 2026-03-02. Review status: criteria provided, single submitter. Criteria: Ambry Variant Classification Scheme 2023. Collection method: clinical testing. Allele origin: germline.
Comment: The p.E355Q variant (also known as c.1063G>C), located in coding exon 6 of the ETV6 gene, results from a G to C substitution at nucleotide position 1063. The glutamic acid at codon 355 is replaced by glutamine, an amino acid with highly similar properties. This amino acid position is conserved. In addition, this alteration is predicted to be tolerated by in silico analysis. Based on the available evidence, the clinical significance of this variant remains unclear.

NM_001987.5(ETV6):c.1063G>C (p.Glu355Gln)

Genes: ETV6 (ETS variant transcription factor 6; plus strand), LOC126861452 (CDK7 strongly-dependent group 2 enhancer GRCh37_chr12:12037195-12038394; plus strand). Cytogenetic location: 12p13.2.
Variant type: single nucleotide variant.
Coding change: c.1063G>C on transcript NM_001987.5 (MANE Select); coding-DNA position 1063, G replaced by C.
Protein change: p.Glu355Gln; replaces glutamic acid 355 with glutamine.
Molecular consequence: missense variant. On other transcripts: intron variant (1).
Genome position (GRCh38, 1-based): chr12:11,884,498, G>C. VCF-style: chr12-11884498-G-C. GRCh37 (hg19) VCF-style: chr12-12037432-G-C.
Other names: c.799G>C, p.Glu267Gln (NM_001413915.1); c.1010-6443G>C (NM_001413917.1); c.1060G>C, p.Glu354Gln (NM_001413913.1); c.1036G>C, p.Glu346Gln (NM_001413914.1); short protein forms E267Q, E355Q, E354Q, E346Q.
Identifiers: ClinVar variation 4826549 (VCV004826549.1).